The following is an entry in ClinVar:

NM_015991.4(C1QA):c.131G>A (p.Arg44Gln)

Gene: C1QA (complement C1q A chain; plus strand). Cytogenetic location: 1p36.12.
Variant type: single nucleotide variant.
Coding change: c.131G>A on transcript NM_015991.4 (MANE Select); coding-DNA position 131, G replaced by A.
Protein change: p.Arg44Gln; replaces arginine 44 with glutamine.
Molecular consequence: missense variant.
Genome position (GRCh38, 1-based): chr1:22,637,747, G>A. VCF-style: chr1-22637747-G-A. GRCh37 (hg19) VCF-style: chr1-22964240-G-A.
Other names: c.131G>A, p.Arg44Gln (NM_001347465.2, NM_001347466.2); c.131G>A (NM_015991.2); short protein forms R44Q.
Identifiers: ClinVar variation 1410703 (VCV001410703.8), dbSNP rs757112554, ClinGen allele CA677721.
Genomic context (GRCh38, chr1:22,637,747, plus strand): 5'-ACTTGTGCCGAGCACCAGACGGGAAGAAAGGGGAGGCAGGAAGACCTGGCAGACGGGGGC[G>A]GCCAGGCCTCAAGGGGGAGCAAGGGGAGCCGGGTAAGCACCCTTCCTCGGGACCCAGCCC-3'
Protein context (NP_057075.1, residues 34-54): GEAGRPGRRG[Arg44Gln]PGLKGEQGEP

ClinVar aggregate classification (germline): Uncertain significance. Review status: criteria provided, multiple submitters, no conflicts (2 of 4 stars). 2 submissions from 2 submitters: Uncertain significance (2). Last evaluated 2024-10-28.

Conditions:
Inborn genetic diseases. Identifiers: MedGen C0950123, MeSH D030342.

Allele frequency attached by ClinVar (database versions not stated): gnomAD 0.00001 and 0.00002; gnomAD exomes 0.00001 and 0.00003; TOPMed 0.00002; ExAC 0.00006.

Submissions (2):

Labcorp Genetics (formerly Invitae), Labcorp
Classification: Uncertain significance. Last evaluated: 2024-10-28. Review status: criteria provided, single submitter. Criteria: Invitae Variant Classification Sherloc (09022015). Collection method: clinical testing. Allele origin: germline.
Comment: This sequence change replaces arginine, which is basic and polar, with glutamine, which is neutral and polar, at codon 44 of the C1QA protein (p.Arg44Gln). This variant is present in population databases (rs757112554, gnomAD 0.01%). This variant has not been reported in the literature in individuals affected with C1QA-related conditions. ClinVar contains an entry for this variant (Variation ID: 1410703). An algorithm developed to predict the effect of missense changes on protein structure and function outputs the following: PolyPhen-2: "Benign". The glutamine amino acid residue is found in multiple mammalian species, which suggests that this missense change does not adversely affect protein function. In summary, the available evidence is currently insufficient to determine the role of this variant in disease. Therefore, it has been classified as a Variant of Uncertain Significance.

Ambry Genetics
Classification: Uncertain significance for Inborn genetic diseases. Last evaluated: 2024-10-17. Review status: criteria provided, single submitter. Criteria: Ambry Variant Classification Scheme 2023. Collection method: clinical testing. Allele origin: germline.